The following is an entry in ClinVar:

ClinVar aggregate classification (germline): Uncertain significance (1 of 4 stars; one submission).

Allele frequency attached by ClinVar (database versions not stated): gnomAD exomes below 0.00001; TOPMed 0.00001.
gnomAD v4.1: 5 of 1,614,104 alleles (0.00031%); highest among the groups gnomAD compares: Admixed American, 0.005%; no homozygotes.

Submission:

Labcorp Genetics (formerly Invitae), Labcorp
Classification: Uncertain significance. Last evaluated: 2023-06-16. Review status: criteria provided, single submitter. Criteria: Invitae Variant Classification Sherloc (09022015). Collection method: clinical testing. Allele origin: germline.
Comment: This sequence change replaces glycine, which is neutral and non-polar, with arginine, which is basic and polar, at codon 5050 of the HMCN1 protein (p.Gly5050Arg). In summary, the available evidence is currently insufficient to determine the role of this variant in disease. Therefore, it has been classified as a Variant of Uncertain Significance. This variant is present in population databases (no rsID available, gnomAD 0.009%). This variant has not been reported in the literature in individuals affected with HMCN1-related conditions. An algorithm developed to predict the effect of missense changes on protein structure and function (PolyPhen-2) suggests that this variant is likely to be disruptive.

NM_031935.3(HMCN1):c.15148G>A (p.Gly5050Arg)

Gene: HMCN1 (hemicentin 1; plus strand). Cytogenetic location: 1q31.1.
Variant type: single nucleotide variant.
Coding change: c.15148G>A on transcript NM_031935.3 (MANE Select); coding-DNA position 15148, G replaced by A.
Protein change: p.Gly5050Arg; replaces glycine 5050 with arginine.
Molecular consequence: missense variant.
Genome position (GRCh38, 1-based): chr1:186,153,879, G>A. VCF-style: chr1-186153879-G-A. GRCh37 (hg19) VCF-style: chr1-186123011-G-A.
Other names: short protein forms G5050R.
Identifiers: ClinVar variation 2994233 (VCV002994233.3), dbSNP rs1186486042, ClinGen allele CA343924165.